The following continues an entry in ClinVar:

NM_201548.5(CERKL):c.769C>T (p.Arg257Ter)

Gene: CERKL. ClinVar aggregate classification (germline): Pathogenic/Likely pathogenic. Pathogenic (35); Likely pathogenic (2).

Submissions 17 to 32 of 47:

CeGaT Center for Human Genetics Tuebingen
Classification: Pathogenic. Last evaluated: 2024-03-01. Review status: criteria provided, single submitter. Criteria: CeGaT Center For Human Genetics Tuebingen Variant Classification Criteria Version 2. Collection method: clinical testing. Allele origin: germline. Affected: yes. Observed: 3 variant alleles.
Comment: CERKL: PM3:Very Strong, PVS1, PM2

Ophthalmic Genetics Group, Institute of Molecular and Clinical Ophthalmology Basel
Classification: Pathogenic for Cone-rod dystrophy. Last evaluated: 2023-07-24. Review status: criteria provided, single submitter. Criteria: ACMG Guidelines, 2015. Collection method: research. Allele origin: germline. Affected: yes. Observed: 3 variant alleles.
Comment: Clinical significance based on ACMG v2.0

This variant was classified as Pathogenic based on ACMG criteria: PVS1, PM2, PS4, PP5.

Ophthalmic Genetics Group, Institute of Molecular and Clinical Ophthalmology Basel
Classification: Pathogenic for Retinitis pigmentosa. Last evaluated: 2023-07-24. Review status: criteria provided, single submitter. Criteria: ACMG Guidelines, 2015. Collection method: research. Allele origin: germline. Affected: yes. Observed: 2 variant alleles.
Comment: the same text as in the submission from Ophthalmic Genetics Group, Institute of Molecular and Clinical Ophthalmology Basel above.

Department of Pathology and Laboratory Medicine, Sinai Health System
Classification: Pathogenic for CERKL-related retinopathy. Last evaluated: 2023-05-29. Review status: criteria provided, single submitter. Criteria: ACMG Guidelines, 2015. Collection method: research. Allele origin: germline.

Institute of Human Genetics, Univ. Regensburg, Univ. Regensburg
Classification: Pathogenic for Retinal dystrophy. Last evaluated: 2023-01-01. Review status: criteria provided, single submitter. Criteria: ACMG Guidelines, 2015. Collection method: clinical testing. Allele origin: germline. Affected: yes.

Women's Health and Genetics/Laboratory Corporation of America, LabCorp
Classification: Pathogenic for Retinitis pigmentosa. Last evaluated: 2022-08-25. Review status: criteria provided, single submitter. Criteria: LabCorp Variant Classification Summary - May 2015. Collection method: clinical testing. Allele origin: germline.
Comment: Variant summary: CERKL c.847C>T (p.Arg283X) results in a premature termination codon, predicted to cause a truncation of the encoded protein or absence of the protein due to nonsense mediated decay, which are commonly known mechanisms for disease. Truncations downstream of this position have been associated with Retinitis pigmentosa in HGMD and been classified as pathogenic in Clinvar. The variant allele was found at a frequency of 0.00035 in 248832 control chromosomes. This frequency is not significantly higher than expected for a pathogenic variant in CERKL causing Retinitis Pigmentosa (0.00035 vs 0.0013), allowing no conclusion about variant significance. c.847C>T has been reported in the literature in multiple families affected with Retinitis Pigmentosa, with strong segregation of the variant with disease (eg. Tuson_2004, Aleman_2009, Khan_2013, etc). These data indicate that the variant is very likely to be associated with disease. 22 clinical diagnostic laboratories have submitted clinical-significance assessments for this variant to ClinVar after 2014 without evidence for independent evaluation. All laboratories classified the variant as pathogenic/likely pathogenic. Based on the evidence outlined above, the variant was classified as pathogenic.

Broad Center for Mendelian Genomics, Broad Institute of MIT and Harvard
Classification: Pathogenic for Retinitis pigmentosa 26. Last evaluated: 2022-05-04. Review status: criteria provided, single submitter. Criteria: ACMG Guidelines, 2015. Collection method: curation. Allele origin: germline. Inheritance: Autosomal recessive inheritance.
Comment: The variant has been reported in at least 9 individuals of Danish, Spanish, and unknown ethnicity with retinitis pigmentosa 26 (PMID: 14681825, 25097241), segregated with disease in 6 affected relatives from 2 families (PMID: 14681825), and has been identified in 0.05% (62/112768) of European non-Finnish chromosomes by the Genome Aggregation Database (gnomAD; dbSNP ID: rs121909398). Although this variant has been seen in the general population, its frequency is not high enough to rule out a pathogenic role. This variant has also been reported in ClinVar (Variation ID: 2364) as pathogenic by multiple submitters and as likely pathogenic by Medical Genetics Laboratory, Kennedy Center, Juliane Marie Center, Rigshospitalet. This nonsense variant leads to a premature termination codon at position 283, which is predicted to lead to a truncated or absent protein. Loss of function of the CERKL gene is a moderately established disease mechanism in autosomal recessive retinitis pigmentosa 26. The presence of this variant in at least 8 affected homozygotes, in combination with at least 1 reported pathogenic variant, and in at least 9 individuals with retinitis pigmentosa 26 increases the likelihood that the p.Arg283Ter variant is pathogenic (Variation ID: 91393; PMID: 14681825, 25097241). In summary, this variant meets criteria to be classified as pathogenic for retinitis pigmentosa 26 in an autosomal recessive manner based on the predicted impact of the variant, segregation in multiple families, and multiple homozygous occurrences and occurrences with pathogenic CERKL variants in affected individuals. ACMG/AMP Criteria applied: PVS1_strong, PP1_strong, PM3_strong (Richards 2015).

GeneDx
Classification: Pathogenic. Last evaluated: 2022-02-09. Review status: criteria provided, single submitter. Criteria: GeneDx Variant Classification Process June 2021. Collection method: clinical testing. Allele origin: germline. Affected: yes.
Comment: Nonsense variant predicted to result in protein truncation or nonsense mediated decay in a gene for which loss-of-function is a known mechanism of disease; This variant is associated with the following publications: (PMID: 21151602, 29555955, 29068140, 30337596, 28157192, 15708351, 24123366, 25097241, 25525159, 14681825, 28041643, 25999674, 22164218, 24043777, 18515597, 30718709, 28559085, 31082679, 34426522, 32411380, 32036094, 32865075, 31456290, 32581362, 31589614, 33576794, 33322828, 31054281, 32037395)

AURAGEN, Plan France Médecine Génomique
Classification: Pathogenic for Retinal disorder. Last evaluated: 2021-12-03. Review status: criteria provided, single submitter. Criteria: PFMG2025 (Lancet Reg Health Eur. 2025). Collection method: clinical testing. Allele origin: germline. Affected: yes.

Ocular Genomics Institute, Massachusetts Eye and Ear
Classification: Pathogenic for Retinitis pigmentosa 26. Last evaluated: 2021-04-08. Review status: criteria provided, single submitter. Criteria: ACMG Guidelines, 2015. Collection method: research. Allele origin: germline. Affected: yes.
Comment: Through a review of available evidence we were able to apply the following criteria: PVS1, PS3, PM2, PM3, PP1, PP5. Based on this evidence we have classified this variant as Pathogenic.

Broad Center for Mendelian Genomics, Broad Institute of MIT and Harvard
Classification: Pathogenic for Retinitis pigmentosa. Last evaluated: 2021-04-01. Review status: criteria provided, single submitter. Criteria: ACMG Guidelines, 2015. Collection method: curation. Allele origin: germline. Inheritance: Autosomal recessive inheritance. Affected: yes.
Comment: Through a review of available evidence we were able to apply the following criteria: PVS1, PS3, PM2, PM3, PP1, PP5. Based on this evidence we have classified this variant as Pathogenic. If you have any questions about the classification please reach out to the Pierce Lab.

Institute of Medical Genetics and Applied Genomics, University Hospital Tübingen
Classification: Pathogenic. Last evaluated: 2020-10-23. Review status: criteria provided, single submitter. Criteria: ACMG Guidelines, 2015. Collection method: clinical testing. Allele origin: germline. Inheritance: Autosomal recessive inheritance. Affected: yes.

Laboratorio de Genetica e Diagnostico Molecular, Hospital Israelita Albert Einstein
Classification: Pathogenic. Last evaluated: 2020-08-25. Review status: criteria provided, single submitter. Criteria: ACMG Guidelines, 2015. Collection method: clinical testing. Allele origin: germline. Affected: yes.
Comment: ACMG classification criteria: PVS1, PM3

Mendelics
Classification: Pathogenic for Retinitis pigmentosa 26. Last evaluated: 2019-05-28. Review status: criteria provided, single submitter. Criteria: Mendelics Assertion Criteria 2017. Collection method: clinical testing. Allele origin: unknown.

Centre for Mendelian Genomics, University Medical Centre Ljubljana
Classification: Pathogenic for Retinitis pigmentosa 26. Last evaluated: 2018-11-08. Review status: criteria provided, single submitter. Criteria: ACMG Guidelines, 2015. Collection method: clinical testing. Allele origin: unknown. Affected: yes.
Comment: This variant was classified as: Pathogenic. The following ACMG criteria were applied in classifying this variant: PVS1,PM2.

Illumina Laboratory Services, Illumina
Classification: Pathogenic for Retinitis pigmentosa. Last evaluated: 2017-04-27. Review status: criteria provided, single submitter. Criteria: ICSL Variant Classification Criteria 09 May 2019. Collection method: clinical testing. Allele origin: germline.
Comment: The CERKL c.769C>T (p.Arg257Ter) variant, also referred to as c.847C>T (p.Arg283Ter), is a stop-gained variant and is predicted to result in a premature termination of the protein. The p.Arg257Ter variant has been reported in at least five studies in which it is found in at least 24 individuals with retinitis pigmentosa including 21 in a homozygous state from 13 families, and three affected siblings from an additional family in a compound heterozygous state (Tuson et al. 2004; Avila-Fernandez et al. 2010; Gonzalez-del Pozo et al. 2011; Nishiguchi et al. 2013; van Huet et al. 2015). The variant was absent from 360 control individuals and is reported at a frequency of 0.00067 in the South Asian population of the Exome Aggregation Consortium. The variant is located in the conserved catalytic domain of the protein (Tuson et al. 2004) and is reported to segregate with disease in several families (Avila-Fernandez et al. 2010; Gonzalez-del Pozo et al. 2011). Due to the potential impact of stop-gained variants and the supporting evidence, the p.Arg257Ter variant is classified as pathogenic for recessive retinitis pigmentosa. This variant was observed by ICSL as part of a predisposition screen in an ostensibly healthy population.